The following is an entry in ClinVar:

NM_000094.4(COL7A1):c.8109+5G>C

Gene: COL7A1 (collagen type VII alpha 1 chain; minus strand). Cytogenetic location: 3p21.31.
Variant type: single nucleotide variant.
Coding change: c.8109+5G>C on transcript NM_000094.4 (MANE Select); 5 bases into the intron after coding-DNA position 8109, G replaced by C.
Molecular consequence: intron variant.
Genome position (GRCh38, 1-based): chr3:48,567,123, C>G on the plus strand (G>C on the coding strand, the complement: COL7A1 is on the minus strand). VCF-style: chr3-48567123-C-G. GRCh37 (hg19) VCF-style: chr3-48604556-C-G.
Identifiers: ClinVar variation 2444105 (VCV002444105.1), dbSNP rs2530819528, ClinGen allele CA2580070098.

ClinVar aggregate classification (germline): Uncertain significance (1 of 4 stars; one submission).

Conditions:
Recessive dystrophic epidermolysis bullosa (RDEB). Also called: Epidermolysis Bullosa Distrophica Autosomal Recessive (RDEB); EPIDERMOLYSIS BULLOSA DYSTROPHICA, GENERALIZED SEVERE, AUTOSOMAL RECESSIVE; severe generalized recessive dystrophic epidermolysis bullosa; epidermolysis bullosa dystrophica, autosomal recessive; Recessive DEB (RDEB); DYSTROPHIC EPIDERMOLYSIS BULLOSA, AUTOSOMAL RECESSIVE. Identifiers: Orphanet 79408, Orphanet 79409, MedGen C0079474, MONDO:0009179, OMIM 226600.

Submission:

3billion
Classification: Uncertain significance for Recessive dystrophic epidermolysis bullosa. Last evaluated: 2023-02-23. Review status: criteria provided, single submitter. Criteria: ACMG Guidelines, 2015. Collection method: clinical testing. Allele origin: unknown. Affected: yes.
Comment: The variant is not observed in the gnomAD v2.1.1 dataset. Predicted Consequence/Location: Splice region variant. In silico tools predict the variant to alter splicing and produce an abnormal transcript (SpliceAI: 0.91). Therefore, this variant is classified as VUS according to the recommendation of ACMG/AMP guideline.